The following is an entry in ClinVar:

NM_014845.6(FIG4):c.1889+1G>T

Gene: FIG4 (FIG4 phosphoinositide 5-phosphatase; plus strand). Cytogenetic location: 6q21.
Variant type: single nucleotide variant.
Coding change: c.1889+1G>T on transcript NM_014845.6 (MANE Select); the canonical splice donor site of the intron after coding-DNA position 1889, G replaced by T.
Molecular consequence: splice donor variant.
Genome position (GRCh38, 1-based): chr6:109,777,061, G>T. VCF-style: chr6-109777061-G-T. GRCh37 (hg19) VCF-style: chr6-110098264-G-T.
Identifiers: ClinVar variation 2684191 (VCV002684191.1), dbSNP rs2486205632, ClinGen allele CA365230391.
Genomic context (GRCh38, chr6:109,777,061, plus strand): 5'-CCCAACAGATTTTTATTTGCATCACAAAAATACCATGAGACTTTTGCCAACAAGAAGAAG[G>T]TATTTTTCTTCCTAGTCTGTAATATAAACTCCCATTTGGTGTTATTTTGAATATGAGATA-3'

ClinVar aggregate classification (germline): Likely pathogenic (1 of 4 stars; one submission).

Allele frequency attached by ClinVar (database versions not stated): gnomAD exomes below 0.00001.
gnomAD v4.1: 1 of 1,612,642 alleles (0.000062%); highest among the groups gnomAD compares: Non-Finnish European, 0.000085%; no homozygotes.

Submission:

Athena Diagnostics
Classification: Likely pathogenic. Last evaluated: 2022-12-16. Review status: criteria provided, single submitter. Criteria: Athena Diagnostics Criteria. Collection method: clinical testing. Allele origin: unknown.
Comment: This variant is expected to severely impact normal RNA splicing, and consequently, protein structure and/or function. This variant has not been reported in large, multi-ethnic general populations.